The following is an entry in ClinVar:

NM_138691.3(TMC1):c.45C>T (p.Asp15=)

Gene: TMC1 (transmembrane channel like 1; plus strand). Cytogenetic location: 9q21.13.
Variant type: single nucleotide variant.
Coding change: c.45C>T on transcript NM_138691.3 (MANE Select); coding-DNA position 45, C replaced by T.
Protein change: p.Asp15=; no amino-acid change (aspartic acid 15 retained).
Molecular consequence: synonymous variant.
Genome position (GRCh38, 1-based): chr9:72,688,737, C>T. VCF-style: chr9-72688737-C-T. GRCh37 (hg19) VCF-style: chr9-75303653-C-T.
Other names: p.Asp15=.
Identifiers: ClinVar variation 47874 (VCV000047874.22), dbSNP rs2589615, ClinGen allele CA142081.

ClinVar aggregate classification (germline): Benign. Review status: criteria provided, multiple submitters, no conflicts (2 of 4 stars). 10 submissions from 8 submitters: Benign (10). Last evaluated 2026-02-04.

Conditions:
Autosomal recessive nonsyndromic hearing loss 7. Also called: DEAFNESS, AUTOSOMAL RECESSIVE 11. Identifiers: Orphanet 90636, MedGen C1832978, MONDO:0010967, OMIM 600974.
Autosomal dominant nonsyndromic hearing loss 36. Identifiers: Orphanet 90635, MedGen C1847626, MONDO:0011708, OMIM 606705.

Allele frequency attached by ClinVar (database versions not stated): gnomAD exomes 0.42637 and 0.45016; ExAC 0.46095; 1000 Genomes Project 0.51078; gnomAD 0.51246 and 0.51851; 1000 Genomes Project 30x 0.51983; TOPMed 0.52485; ESP Exome Variant Server 0.52737.
gnomAD v4.1: 698,187 of 1,603,854 alleles (44%); highest among the groups gnomAD compares: African/African-American, 73%; 156,972 homozygotes.

Submissions (10):

Labcorp Genetics (formerly Invitae), Labcorp
Classification: Benign. Last evaluated: 2026-02-04. Review status: criteria provided, single submitter. Criteria: Invitae Variant Classification Sherloc (09022015). Collection method: clinical testing. Allele origin: germline.

Genome-Nilou Lab
Classification: Benign for Autosomal dominant nonsyndromic hearing loss 36. Last evaluated: 2021-09-10. Review status: criteria provided, single submitter. Criteria: ACMG Guidelines, 2015. Collection method: clinical testing. Allele origin: germline. Affected: no.

Genome-Nilou Lab
Classification: Benign for Autosomal recessive nonsyndromic hearing loss 7. Last evaluated: 2021-09-10. Review status: criteria provided, single submitter. Criteria: ACMG Guidelines, 2015. Collection method: clinical testing. Allele origin: germline. Affected: no.

Mayo Clinic Laboratories, Mayo Clinic
Classification: Benign. Last evaluated: 2020-10-02. Review status: criteria provided, single submitter. Criteria: ACMG Guidelines, 2015. Collection method: clinical testing. Allele origin: germline. Observed: 101 variant alleles.

Illumina Laboratory Services, Illumina
Classification: Benign for Autosomal recessive nonsyndromic hearing loss 7. Last evaluated: 2018-01-12. Review status: criteria provided, single submitter. Criteria: ICSL Variant Classification Criteria 13 December 2019. Collection method: clinical testing. Allele origin: germline.
Comment: This variant was observed in the ICSL laboratory as part of a predisposition screen in an ostensibly healthy population. It had not been previously curated by ICSL or reported in the Human Gene Mutation Database (HGMD: prior to June 1st, 2018), and was therefore a candidate for classification through an automated scoring system. Utilizing variant allele frequency, disease prevalence and penetrance estimates, and inheritance mode, an automated score was calculated to assess if this variant is too frequent to cause the disease. Based on the score and internal cut-off values, a variant classified as benign is not then subjected to further curation. The score for this variant resulted in a classification of benign for this disease.

Illumina Laboratory Services, Illumina
Classification: Benign for Autosomal dominant nonsyndromic hearing loss 36. Last evaluated: 2018-01-12. Review status: criteria provided, single submitter. Criteria: ICSL Variant Classification Criteria 13 December 2019. Collection method: clinical testing. Allele origin: germline.
Comment: the same text as in the submission from Illumina Laboratory Services, Illumina above.

GeneDx
Classification: Benign. Last evaluated: 2017-05-09. Review status: criteria provided, single submitter. Criteria: GeneDx Variant Classification (06012015). Collection method: clinical testing. Allele origin: germline. Affected: yes.
Comment: This variant is considered likely benign or benign based on one or more of the following criteria: it is a conservative change, it occurs at a poorly conserved position in the protein, it is predicted to be benign by multiple in silico algorithms, and/or has population frequency not consistent with disease.

Laboratory for Molecular Medicine, Mass General Brigham Personalized Medicine
Classification: Benign. Last evaluated: 2009-06-23. Review status: criteria provided, single submitter. Criteria: LMM Criteria. Collection method: clinical testing. Allele origin: germline. Observed: 1,492 variant alleles.

Breakthrough Genomics
Classification: Benign. Review status: criteria provided, single submitter. Criteria: ACMG Guidelines, 2015. Collection method: not provided. Allele origin: germline. Inheritance: Autosomal recessive inheritance. Affected: yes.

PreventionGenetics, part of Exact Sciences
Classification: Benign. Review status: criteria provided, single submitter. Criteria: ACMG Guidelines, 2015. Collection method: clinical testing. Allele origin: germline.

Literature cited by the submitters: PubMed 16134132 (cited by Laboratory for Molecular Medicine, Mass General Brigham Personalized Medicine).